The following is an entry in ClinVar:

ClinVar aggregate classification (germline): Uncertain significance (1 of 4 stars; one submission).

Conditions:
Hereditary cancer-predisposing syndrome. Also called: Hereditary Cancer Syndrome; Neoplastic Syndromes, Hereditary; Tumor predisposition; Hereditary neoplastic syndrome. Identifiers: Orphanet 140162, MedGen C0027672, MeSH D009386, MONDO:0015356.

Submission:

Ambry Genetics
Classification: Uncertain significance for Hereditary cancer-predisposing syndrome. Last evaluated: 2025-04-30. Review status: criteria provided, single submitter. Criteria: Ambry Variant Classification Scheme 2023. Collection method: clinical testing. Allele origin: germline.
Comment: The p.E1614D variant (also known as c.4842G>T), located in coding exon 33 of the SMARCA4 gene, results from a G to T substitution at nucleotide position 4842. The glutamic acid at codon 1614 is replaced by aspartic acid, an amino acid with highly similar properties. This amino acid position is well conserved in available vertebrate species. In addition, this alteration is predicted to be tolerated by in silico analysis. Based on the available evidence, the clinical significance of this variant remains unclear.

NM_003072.5(SMARCA4):c.4746G>T (p.Glu1582Asp)

Gene: SMARCA4 (SWI/SNF related BAF chromatin remodeling complex subunit ATPase 4; plus strand). Cytogenetic location: 19p13.2.
Variant type: single nucleotide variant.
Coding change: c.4746G>T on transcript NM_003072.5 (MANE Select); coding-DNA position 4746, G replaced by T.
Protein change: p.Glu1582Asp; replaces glutamic acid 1582 with aspartic acid.
Molecular consequence: missense variant. On other transcripts: non-coding transcript variant (1).
Genome position (GRCh38, 1-based): chr19:11,059,863, G>T. VCF-style: chr19-11059863-G-T. GRCh37 (hg19) VCF-style: chr19-11170539-G-T.
Other names: c.4746G>T, p.Glu1582Asp (NM_001128844.3); c.4656G>T, p.Glu1552Asp (NM_001128845.2); c.4653G>T, p.Glu1551Asp (NM_001128846.2); c.4647G>T, p.Glu1549Asp (NM_001128847.4, NM_001374457.1); c.4644G>T, p.Glu1548Asp (NM_001128848.2); c.4842G>T, p.Glu1614Asp (NM_001128849.3, NM_001387283.1); c.4743G>T, p.Glu1581Asp (NM_001411150.1); short protein forms E1581D, E1548D, E1549D, E1551D, E1552D, E1614D, E1582D.
Identifiers: ClinVar variation 1743516 (VCV001743516.3), dbSNP rs1600644753, ClinGen allele CA404079764.
Genomic context (GRCh38, chr19:11,059,863, plus strand): 5'-GAAAATCGAGAAGGAGGATGACAGTGAAGGCGAGGAGAGTGAGGAGGAGGAAGAGGGCGA[G>T]GAGGAAGGCTCCGAATCCGAATGTGAGTCCCGGGGGGGTTCAGGACGCCGGGGTTCACGC-3'
Protein context (NP_003063.2, residues 1572-1592): GEESEEEEEG[Glu1582Asp]EEGSESESRS